The following is an entry in ClinVar:

NM_198252.3(GSN):c.1325+4A>G

Gene: GSN (gelsolin; plus strand). Cytogenetic location: 9q33.2.
Variant type: single nucleotide variant.
Coding change: c.1325+4A>G on transcript NM_198252.3 (MANE Select); 4 bases into the intron after coding-DNA position 1325, A replaced by G.
Molecular consequence: intron variant.
Genome position (GRCh38, 1-based): chr9:121,321,405, A>G. VCF-style: chr9-121321405-A-G. GRCh37 (hg19) VCF-style: chr9-124083683-A-G.
Other names: c.1325+4A>G (NM_001353054.1, NM_001353053.1, NM_001353060.2 and 10 more transcripts); c.1358+4A>G (NM_001353064.2, NM_001353066.2, NM_001353073.2 and 13 more transcripts); c.1433+4A>G (NM_001127663.2); c.1397+4A>G (NM_001353076.2); c.671+4A>G (NM_001353078.2); c.1376+4A>G (NM_001258029.2); c.1349+4A>G (NM_001258030.2); c.1478+4A>G (NM_000177.5).
Identifiers: ClinVar variation 1362405 (VCV001362405.6), dbSNP rs2062428956, ClinGen allele CA1877025832.

ClinVar aggregate classification (germline): Uncertain significance (1 of 4 stars; one submission).

gnomAD v4.1: 3 of 1,613,766 alleles (0.00019%); highest among the groups gnomAD compares: Non-Finnish European, 0.00025%; no homozygotes.

Submission:

Labcorp Genetics (formerly Invitae), Labcorp
Classification: Uncertain significance. Last evaluated: 2021-04-17. Review status: criteria provided, single submitter. Criteria: Invitae Variant Classification Sherloc (09022015). Collection method: clinical testing. Allele origin: germline.
Comment: In summary, the available evidence is currently insufficient to determine the role of this variant in disease. Therefore, it has been classified as a Variant of Uncertain Significance. Nucleotide substitutions within the consensus splice site are a relatively common cause of aberrant splicing (PMID: 17576681, 9536098). Algorithms developed to predict the effect of sequence changes on RNA splicing suggest that this variant may disrupt the consensus splice site, but this prediction has not been confirmed by published transcriptional studies. This variant has not been reported in the literature in individuals with GSN-related conditions. This variant is not present in population databases (ExAC no frequency). This sequence change falls in intron 10 of the GSN gene. It does not directly change the encoded amino acid sequence of the GSN protein. It affects a nucleotide within the consensus splice site of the intron.

Literature cited by the submitters: PubMed 17576681; PubMed 9536098.